The following is an entry in ClinVar:

NM_000548.5(TSC2):c.2356C>A (p.Arg786Ser)

Gene: TSC2 (TSC complex subunit 2; plus strand). Cytogenetic location: 16p13.3.
Variant type: single nucleotide variant.
Coding change: c.2356C>A on transcript NM_000548.5 (MANE Select); coding-DNA position 2356, C replaced by A.
Protein change: p.Arg786Ser; replaces arginine 786 with serine.
Molecular consequence: missense variant.
Genome position (GRCh38, 1-based): chr16:2,074,200, C>A. VCF-style: chr16-2074200-C-A. GRCh37 (hg19) VCF-style: chr16-2124201-C-A.
Other names: c.2356C>A (NM_000548.3); c.2356C>A, p.Arg786Ser (NM_001077183.3, NM_001114382.3, NM_001363528.2 and 3 more transcripts); c.2245C>A, p.Arg749Ser (NM_001318827.2); c.2209C>A, p.Arg737Ser (NM_001318829.2); c.1756C>A, p.Arg586Ser (NM_001318831.2); c.2389C>A, p.Arg797Ser (NM_001318832.2); short protein forms R586S, R737S, R749S, R786S, R797S.
Identifiers: ClinVar variation 1007453 (VCV001007453.9), dbSNP rs767252128, ClinGen allele CA394276922.

ClinVar aggregate classification (germline): Uncertain significance. Review status: criteria provided, multiple submitters, no conflicts (2 of 4 stars). 2 submissions from 2 submitters: Uncertain significance (2). Last evaluated 2025-03-01.

Conditions:
Hereditary cancer-predisposing syndrome. Also called: Hereditary neoplastic syndrome; Neoplastic Syndromes, Hereditary; Tumor predisposition; Hereditary Cancer Syndrome. Identifiers: Orphanet 140162, MedGen C0027672, MeSH D009386, MONDO:0015356.
Tuberous sclerosis 2 (TSC2). Identifiers: Orphanet 805, MedGen C1860707, MONDO:0013199, OMIM 613254.

gnomAD v4.1: 1 of 1,610,982 alleles (0.000062%); highest among the groups gnomAD compares: Non-Finnish European, 0.000085%; no homozygotes.

Submissions (2):

Ambry Genetics
Classification: Uncertain significance for Hereditary cancer-predisposing syndrome. Last evaluated: 2025-03-01. Review status: criteria provided, single submitter. Criteria: Ambry Variant Classification Scheme 2023. Collection method: clinical testing. Allele origin: germline.
Comment: The p.R786S variant (also known as c.2356C>A), located in coding exon 21 of the TSC2 gene, results from a C to A substitution at nucleotide position 2356. This variant impacts the first base pair of coding exon 21. The arginine at codon 786 is replaced by serine, an amino acid with dissimilar properties. This variant was detected in a cohort of over 11,730 samples from patients with neurodevelopmental disorders (NDDs) from international clinical and research cohorts (Stessman HA et al. Nat Genet, 2017 Apr;49:515-526). This amino acid position is highly conserved in available vertebrate species. In addition, this alteration is predicted to be deleterious by in silico analysis. Based on the available evidence, the clinical significance of this variant remains unclear.

Labcorp Genetics (formerly Invitae), Labcorp
Classification: Uncertain significance for Tuberous sclerosis 2. Last evaluated: 2024-08-27. Review status: criteria provided, single submitter. Criteria: Invitae Variant Classification Sherloc (09022015). Collection method: clinical testing. Allele origin: germline.
Comment: This sequence change replaces arginine, which is basic and polar, with serine, which is neutral and polar, at codon 786 of the TSC2 protein (p.Arg786Ser). This variant is not present in population databases (gnomAD no frequency). This missense change has been observed in individual(s) with autism (PMID: 28191889). This variant is also known as c.2629C>A. ClinVar contains an entry for this variant (Variation ID: 1007453). An algorithm developed to predict the effect of missense changes on protein structure and function (PolyPhen-2) suggests that this variant is likely to be disruptive. In summary, the available evidence is currently insufficient to determine the role of this variant in disease. Therefore, it has been classified as a Variant of Uncertain Significance.

Literature cited by the submitters: PubMed 28191889 (cited by Ambry Genetics and Labcorp Genetics (formerly Invitae), Labcorp).